The following is an entry in ClinVar:

NM_012092.4(ICOS):c.85G>A (p.Glu29Lys)

Gene: ICOS (inducible T cell costimulator; plus strand). Cytogenetic location: 2q33.2.
Variant type: single nucleotide variant.
Coding change: c.85G>A on transcript NM_012092.4 (MANE Select); coding-DNA position 85, G replaced by A.
Protein change: p.Glu29Lys; replaces glutamic acid 29 with lysine.
Molecular consequence: missense variant.
Genome position (GRCh38, 1-based): chr2:203,955,662, G>A. VCF-style: chr2-203955662-G-A. GRCh37 (hg19) VCF-style: chr2-204820385-G-A.
Other names: short protein forms E29K.
Identifiers: ClinVar variation 1380061 (VCV001380061.8), dbSNP rs977088960, ClinGen allele CA63851010.

ClinVar aggregate classification (germline): Uncertain significance (1 of 4 stars; one submission).

Conditions:
Immunodeficiency, common variable, 1. Also called: ANTIBODY DEFICIENCY DUE TO ICOS DEFECT. Identifiers: Orphanet 1572, Orphanet 695183, MedGen C3149378, MONDO:0011864, OMIM 607594.

Submission:

Labcorp Genetics (formerly Invitae), Labcorp
Classification: Uncertain significance for Immunodeficiency, common variable, 1. Last evaluated: 2021-12-18. Review status: criteria provided, single submitter. Criteria: Invitae Variant Classification Sherloc (09022015). Collection method: clinical testing. Allele origin: germline.
Comment: This sequence change replaces glutamic acid, which is acidic and polar, with lysine, which is basic and polar, at codon 29 of the ICOS protein (p.Glu29Lys). This variant is not present in population databases (gnomAD no frequency). This variant has not been reported in the literature in individuals affected with ICOS-related conditions. Algorithms developed to predict the effect of missense changes on protein structure and function output the following: SIFT: "Tolerated"; PolyPhen-2: "Benign"; Align-GVGD: "Class C0". The lysine amino acid residue is found in multiple mammalian species, which suggests that this missense change does not adversely affect protein function. In summary, the available evidence is currently insufficient to determine the role of this variant in disease. Therefore, it has been classified as a Variant of Uncertain Significance.